The following is an entry in ClinVar:

NM_001377405.1(ATXN7):c.1249G>A (p.Ala417Thr)

Gene: ATXN7 (ataxin 7; plus strand). Cytogenetic location: 3p14.1.
Variant type: single nucleotide variant.
Coding change: c.1249G>A on transcript NM_001377405.1 (MANE Select); coding-DNA position 1249, G replaced by A.
Protein change: p.Ala417Thr; replaces alanine 417 with threonine.
Molecular consequence: missense variant.
Genome position (GRCh38, 1-based): chr3:63,988,212, G>A. VCF-style: chr3-63988212-G-A. GRCh37 (hg19) VCF-style: chr3-63973888-G-A.
Other names: c.1249G>A, p.Ala417Thr (NM_000333.4, NM_001177387.1, NM_001377406.1); c.814G>A, p.Ala272Thr (NM_001128149.3); short protein forms A272T, A417T.
Identifiers: ClinVar variation 3053199 (VCV003053199.2), dbSNP rs61736570, ClinGen allele CA2478516.
Genomic context (GRCh38, chr3:63,988,212, plus strand): 5'-GAATTGATTCGCCATCCGGACTCTCAGCAACCACCGCAGCCTCTCAGGGACCCGCATCCC[G>A]CCCCTCCTAGAACGTCACAGGAGCCGCACCAAAACCCTCACGGAGTGATTCCTTCCGAAT-3'
Protein context (NP_001364334.1, residues 407-427): PPQPLRDPHP[Ala417Thr]PPRTSQEPHQ

ClinVar aggregate classification (germline): Likely benign (0 of 4 stars; one submission).

Conditions:
ATXN7-related disorder. Also called: ATXN7-related condition.

Allele frequency attached by ClinVar (database versions not stated): ExAC 0.00031; gnomAD 0.00085; TOPMed 0.00093; ESP Exome Variant Server 0.00099; 1000 Genomes Project 0.00100; 1000 Genomes Project 30x 0.00109.
gnomAD v4.1: 269 of 1,613,872 alleles (0.017%); highest among the groups gnomAD compares: African/African-American, 0.3%; 1 homozygote.

Submission:

PreventionGenetics, part of Exact Sciences
Classification: Likely benign for ATXN7-related condition. Last evaluated: 2020-12-14. Review status: no assertion criteria provided. Collection method: clinical testing. Allele origin: germline.
Comment: This variant is classified as likely benign based on ACMG/AMP sequence variant interpretation guidelines (Richards et al. 2015 PMID: 25741868, with internal and published modifications).